The following is an entry in ClinVar:

ClinVar aggregate classification (germline): Uncertain significance. Review status: criteria provided, multiple submitters, no conflicts (2 of 4 stars). 2 submissions from 2 submitters: Uncertain significance (2). Last evaluated 2023-07-14.

Allele frequency attached by ClinVar (database versions not stated): gnomAD exomes 0.00001.
gnomAD v4.1: 15 of 1,606,028 alleles (0.00093%); highest among the groups gnomAD compares: African/African-American, 0.0027%; no homozygotes.

Submissions (2):

Labcorp Genetics (formerly Invitae), Labcorp
Classification: Uncertain significance. Last evaluated: 2023-07-14. Review status: criteria provided, single submitter. Criteria: Invitae Variant Classification Sherloc (09022015). Collection method: clinical testing. Allele origin: germline.
Comment: This sequence change replaces aspartic acid, which is acidic and polar, with asparagine, which is neutral and polar, at codon 2159 of the CACNA1D protein (p.Asp2159Asn). This variant is present in population databases (no rsID available, gnomAD 0.01%). This variant has not been reported in the literature in individuals affected with CACNA1D-related conditions. An algorithm developed to predict the effect of missense changes on protein structure and function (PolyPhen-2) suggests that this variant is likely to be disruptive. In summary, the available evidence is currently insufficient to determine the role of this variant in disease. Therefore, it has been classified as a Variant of Uncertain Significance.

GeneDx
Classification: Uncertain significance. Last evaluated: 2023-07-13. Review status: criteria provided, single submitter. Criteria: GeneDx Variant Classification Process June 2021. Collection method: clinical testing. Allele origin: germline. Affected: yes.
Comment: In silico analysis supports that this missense variant has a deleterious effect on protein structure/function; Has not been previously published as pathogenic or benign to our knowledge

NM_001128840.3(CACNA1D):c.6415G>A (p.Asp2139Asn)

Gene: CACNA1D (calcium voltage-gated channel subunit alpha1 D; plus strand). Cytogenetic location: 3p21.1.
Variant type: single nucleotide variant.
Coding change: c.6415G>A on transcript NM_001128840.3 (MANE Select); coding-DNA position 6415, G replaced by A.
Protein change: p.Asp2139Asn; replaces aspartic acid 2139 with asparagine.
Molecular consequence: missense variant.
Genome position (GRCh38, 1-based): chr3:53,811,335, G>A. VCF-style: chr3-53811335-G-A. GRCh37 (hg19) VCF-style: chr3-53845362-G-A.
Other names: c.6475G>A (NM_000720.2); c.6475G>A, p.Asp2159Asn (NM_000720.4); c.6343G>A, p.Asp2115Asn (NM_001128839.3); short protein forms D2139N, D2159N, D2115N.
Identifiers: ClinVar variation 2782875 (VCV002782875.4), dbSNP rs1461917633, ClinGen allele CA353259599.